The following is an entry in ClinVar:

NM_001148.6(ANK2):c.7877C>T (p.Pro2626Leu)

Genes: ANK2 (ankyrin 2; plus strand), LOC126807137 (CDK7 strongly-dependent group 2 enhancer GRCh37_chr4:114276560-114277759; plus strand). Cytogenetic location: 4q26.
Variant type: single nucleotide variant.
Coding change: c.7877C>T on transcript NM_001148.6 (MANE Select); coding-DNA position 7877, C replaced by T.
Protein change: p.Pro2626Leu; replaces proline 2626 with leucine.
Molecular consequence: missense variant. On other transcripts: intron variant (68).
Genome position (GRCh38, 1-based): chr4:113,356,495, C>T. VCF-style: chr4-113356495-C-T. GRCh37 (hg19) VCF-style: chr4-114277651-C-T.
Other names: c.7643C>T, p.Pro2548Leu (NM_001386142.1); c.4277C>T, p.Pro1426Leu (NM_001386166.1); c.8018C>T, p.Pro2673Leu (NM_001386174.1); c.7994C>T, p.Pro2665Leu (NM_001386175.1); c.4412-4328C>T (NM_001386186.2, NM_001386148.2); c.4214-4328C>T (NM_001354269.3); c.4292-4328C>T (NM_001386187.2); c.4253-4328C>T (NM_001386147.1); and 35 more; short protein forms P2626L, P1426L, P2548L, P2665L, P2673L.
Identifiers: ClinVar variation 457054 (VCV000457054.23), dbSNP rs754511955, ClinGen allele CA3051665.
Genomic context (GRCh38, chr4:113,356,495, plus strand): 5'-AGCAGAAAAGGGACTACAAAAAAGAACCCAAACAAGAAGAATCTTCTTCATCTTCTGACC[C>T]AGATGCTGACTGTTCAGTAGATGTGGATGAACCAAAACATACAGGCAGTGGGGAGGATGA-3'
Protein context (NP_001139.3, residues 2616-2636): KQEESSSSSD[Pro2626Leu]DADCSVDVDE

ClinVar aggregate classification (germline): Likely benign. Review status: criteria provided, multiple submitters, no conflicts (2 of 4 stars). 6 submissions from 6 submitters: Likely benign (5). 1 of the submissions does not count toward it. Last evaluated 2026-08-01.

Conditions:
ANK2-related disorder. Also called: ANK2-related condition.
Cardiovascular phenotype. Identifiers: MedGen CN230736.
Long QT syndrome (LQTS). Identifiers: MedGen C0023976, MeSH D008133, MONDO:0002442. Disease mechanism: loss of function. Inheritance: Various modes of inheritance.

Allele frequency attached by ClinVar (database versions not stated): gnomAD 0.00005; TOPMed 0.00016; gnomAD exomes 0.00017 and 0.00037; ExAC 0.00026.
gnomAD v4.1: 110 of 1,614,030 alleles (0.0068%); highest among the groups gnomAD compares: Admixed American, 0.18%; 1 homozygote.

Submissions (6):

CeGaT Center for Human Genetics Tuebingen
Classification: Likely benign. Last evaluated: 2026-08-01. Review status: criteria provided, single submitter. Criteria: CeGaT Center For Human Genetics Tuebingen Variant Classification Criteria Version 2. Collection method: clinical testing. Allele origin: germline. Affected: yes. Observed: 4 variant alleles.
Comment: ANK2: BP4, BS1

Labcorp Genetics (formerly Invitae), Labcorp
Classification: Likely benign for Long QT syndrome. Last evaluated: 2025-12-28. Review status: criteria provided, single submitter. Criteria: Invitae Variant Classification Sherloc (09022015). Collection method: clinical testing. Allele origin: germline.

Ambry Genetics
Classification: Likely benign for Cardiovascular phenotype. Last evaluated: 2023-10-31. Review status: criteria provided, single submitter. Criteria: Ambry Variant Classification Scheme 2023. Collection method: clinical testing. Allele origin: germline.

Women's Health and Genetics/Laboratory Corporation of America, LabCorp
Classification: Likely benign. Last evaluated: 2022-07-24. Review status: criteria provided, single submitter. Criteria: LabCorp Variant Classification Summary - May 2015. Collection method: clinical testing. Allele origin: germline.

Breakthrough Genomics
Classification: Likely benign. Review status: criteria provided, single submitter. Criteria: ACMG Guidelines, 2015. Collection method: not provided. Allele origin: germline. Inheritance: Autosomal dominant inheritance. Affected: yes.

PreventionGenetics, part of Exact Sciences
Classification: Likely benign for ANK2-related condition. Last evaluated: 2023-11-18. Review status: no assertion criteria provided. Collection method: clinical testing. Allele origin: germline. Not counted in ClinVar's aggregate classification.
Comment: This variant is classified as likely benign based on ACMG/AMP sequence variant interpretation guidelines (Richards et al. 2015 PMID: 25741868, with internal and published modifications).